The following is an entry in ClinVar:

ClinVar aggregate classification (germline): Uncertain significance (1 of 4 stars; one submission).

Submission:

GeneDx
Classification: Uncertain significance. Last evaluated: 2023-01-31. Review status: criteria provided, single submitter. Criteria: GeneDx Variant Classification Process June 2021. Collection method: clinical testing. Allele origin: germline. Affected: yes.
Comment: Not observed at significant frequency in large population cohorts (gnomAD); In silico analysis supports that this missense variant has a deleterious effect on protein structure/function; Has not been previously published as pathogenic or benign to our knowledge

NM_001792.5(CDH2):c.464A>G (p.Gln155Arg)

Gene: CDH2 (cadherin 2; minus strand). Cytogenetic location: 18q12.1.
Variant type: single nucleotide variant.
Coding change: c.464A>G on transcript NM_001792.5 (MANE Select); coding-DNA position 464, A replaced by G.
Protein change: p.Gln155Arg; replaces glutamine 155 with arginine.
Molecular consequence: missense variant.
Genome position (GRCh38, 1-based): chr18:28,011,928, T>C on the plus strand (A>G on the coding strand, the complement: CDH2 is on the minus strand). VCF-style: chr18-28011928-T-C. GRCh37 (hg19) VCF-style: chr18-25591892-T-C.
Other names: c.371A>G, p.Gln124Arg (NM_001308176.2); short protein forms Q124R, Q155R.
Identifiers: ClinVar variation 2574218 (VCV002574218.1), dbSNP rs2510816933, ClinGen allele CA402243922.